The following is an entry in ClinVar:

ClinVar aggregate classification (germline): Uncertain significance (1 of 4 stars; one submission).

Conditions:
Singleton-Merten syndrome 1 (SGMRT1). Also called: Widened medullary cavities of bone, aortic calcification, abnormal dentition, and muscular weakness; Syndrome of widened medullary cavities of the metacarpals and phalanges, aortic calcification and abnormal dentition. Identifiers: Orphanet 85191, MedGen C4225427, MONDO:0024535, OMIM 182250.
Aicardi-Goutieres syndrome 7 (AGS7). Identifiers: Orphanet 51, MedGen C3888244, MONDO:0014367, OMIM 615846.

Submission:

Labcorp Genetics (formerly Invitae), Labcorp
Classification: Uncertain significance for Aicardi-Goutieres syndrome 7; Singleton-Merten syndrome 1. Last evaluated: 2023-05-23. Review status: criteria provided, single submitter. Criteria: Invitae Variant Classification Sherloc (09022015). Collection method: clinical testing. Allele origin: germline.
Comment: Advanced modeling of protein sequence and biophysical properties (such as structural, functional, and spatial information, amino acid conservation, physicochemical variation, residue mobility, and thermodynamic stability) has been performed at Invitae for this missense variant, however the output from this modeling did not meet the statistical confidence thresholds required to predict the impact of this variant on IFIH1 protein function. In summary, the available evidence is currently insufficient to determine the role of this variant in disease. Therefore, it has been classified as a Variant of Uncertain Significance. This variant has not been reported in the literature in individuals affected with IFIH1-related conditions. This variant is not present in population databases (gnomAD no frequency). This sequence change replaces lysine, which is basic and polar, with asparagine, which is neutral and polar, at codon 1001 of the IFIH1 protein (p.Lys1001Asn).

NM_022168.4(IFIH1):c.3003A>C (p.Lys1001Asn)

Gene: IFIH1 (interferon induced with helicase C domain 1; minus strand). Cytogenetic location: 2q24.2.
Variant type: single nucleotide variant.
Coding change: c.3003A>C on transcript NM_022168.4 (MANE Select); coding-DNA position 3003, A replaced by C.
Protein change: p.Lys1001Asn; replaces lysine 1001 with asparagine.
Molecular consequence: missense variant.
Genome position (GRCh38, 1-based): chr2:162,267,275, T>G on the plus strand (A>C on the coding strand, the complement: IFIH1 is on the minus strand). VCF-style: chr2-162267275-T-G. GRCh37 (hg19) VCF-style: chr2-163123785-T-G.
Other names: short protein forms K1001N.
Identifiers: ClinVar variation 2948165 (VCV002948165.3), dbSNP rs2468942844, ClinGen allele CA348988892.